The following is an entry in ClinVar:

NM_001943.5(DSG2):c.2747A>G (p.Gln916Arg)

Genes: DSG2 (desmoglein 2; plus strand), DSG2-AS1 (DSG2 antisense RNA 1; minus strand). Cytogenetic location: 18q12.1.
Variant type: single nucleotide variant.
Coding change: c.2747A>G on transcript NM_001943.5 (MANE Select); coding-DNA position 2747, A replaced by G.
Protein change: p.Gln916Arg; replaces glutamine 916 with arginine.
Molecular consequence: missense variant.
Genome position (GRCh38, 1-based): chr18:31,546,133, A>G. VCF-style: chr18-31546133-A-G. GRCh37 (hg19) VCF-style: chr18-29126096-A-G.
Other names: short protein forms Q916R.
Identifiers: ClinVar variation 3386606 (VCV003386606.1).

ClinVar aggregate classification (germline): Uncertain significance (1 of 4 stars; one submission).

Conditions:
Arrhythmogenic right ventricular cardiomyopathy (ARVD). Also called: Arrhythmogenic right ventricular dysplasia; Cardiomyopathy, ARVC; Arrhythmogenic cardiomyopathy; Arrhythmogenic Right Ventricular Cardiomyopathy (ARVC). Identifiers: Orphanet 247, MedGen C0349788, MeSH D019571, MONDO:0016587. Disease mechanism: loss of function. Inheritance: Various modes of inheritance.

Submission:

All of Us Research Program, National Institutes of Health
Classification: Uncertain significance for Arrhythmogenic right ventricular cardiomyopathy. Last evaluated: 2024-03-05. Review status: criteria provided, single submitter. Criteria: ACMG Guidelines, 2015. Collection method: clinical testing. Allele origin: germline. Inheritance: Autosomal dominant inheritance. Observed: 1 variant allele, 1 heterozygote.
Comment: This study involves interpretation of variants in research participants for the purpose of population health screening. Participant phenotype was not available at the time of variant classification. Additional details can be found in publication PMID: 35346344, PMCID: PMC8962531